The following is an entry in ClinVar:

ClinVar aggregate classification (germline): Uncertain significance. Review status: criteria provided, multiple submitters, no conflicts (2 of 4 stars). 2 submissions from 2 submitters: Uncertain significance (2). Last evaluated 2025-06-16.

Allele frequency attached by ClinVar (database versions not stated): gnomAD exomes below 0.00001.
gnomAD v4.1: 1 of 1,209,308 alleles (0.000083%); highest among the groups gnomAD compares: African/African-American, 0.0017%; no homozygotes.

Submissions (2):

GeneDx
Classification: Uncertain significance. Last evaluated: 2025-06-16. Review status: criteria provided, single submitter. Criteria: GeneDx Variant Classification Process June 2021. Collection method: clinical testing. Allele origin: germline. Affected: yes.
Comment: Not observed at significant frequency in large population cohorts (gnomAD); In silico analysis suggests that this missense variant does not alter protein structure/function; Has not been previously published as pathogenic or benign to our knowledge

CeGaT Center for Human Genetics Tuebingen
Classification: Uncertain significance. Last evaluated: 2019-10-01. Review status: criteria provided, single submitter. Criteria: CeGaT Center For Human Genetics Tuebingen Variant Classification Criteria Version 2. Collection method: clinical testing. Allele origin: germline. Affected: yes. Observed: 1 variant allele.

NM_014927.5(CNKSR2):c.2644G>A (p.Glu882Lys)

Gene: CNKSR2 (connector enhancer of kinase suppressor of Ras 2; plus strand). Cytogenetic location: Xp22.12.
Variant type: single nucleotide variant.
Coding change: c.2644G>A on transcript NM_014927.5 (MANE Select); coding-DNA position 2644, G replaced by A.
Protein change: p.Glu882Lys; replaces glutamic acid 882 with lysine.
Molecular consequence: missense variant.
Genome position (GRCh38, 1-based): chrX:21,609,569, G>A. VCF-style: chrX-21609569-G-A. GRCh37 (hg19) VCF-style: chrX-21627687-G-A.
Other names: c.2554G>A, p.Glu852Lys (NM_001168647.3, NM_001330773.2); c.2644G>A, p.Glu882Lys (NM_001168648.3); c.2497G>A, p.Glu833Lys (NM_001168649.3, NM_001330770.2); c.2407G>A, p.Glu803Lys (NM_001330771.2, NM_001330772.2); c.2644G>A (NM_014927.3); short protein forms E833K, E803K, E852K, E882K.
Identifiers: ClinVar variation 872222 (VCV000872222.42), dbSNP rs2092539132, ClinGen allele CA412560062.